The following is an entry in ClinVar:

NM_001045.6(SLC6A4):c.*2388C>T

Gene: SLC6A4 (solute carrier family 6 member 4; minus strand). Cytogenetic location: 17q11.2.
Variant type: single nucleotide variant.
Coding change: c.*2388C>T on transcript NM_001045.6 (MANE Select); 2388 bases downstream of the stop codon, C replaced by T.
Molecular consequence: 3 prime UTR variant.
Genome position (GRCh38, 1-based): chr17:30,196,068, G>A on the plus strand (C>T on the coding strand, the complement: SLC6A4 is on the minus strand). VCF-style: chr17-30196068-G-A. GRCh37 (hg19) VCF-style: chr17-28523086-G-A.
Identifiers: ClinVar variation 891371 (VCV000891371.4), dbSNP rs56030551, ClinGen allele CA289254400.

ClinVar aggregate classification (germline): Benign (1 of 4 stars; one submission).

Conditions:
Behavior disorder. Also called: Behavioral disorder. Identifiers: MedGen C0004930.

Allele frequency attached by ClinVar (database versions not stated): gnomAD 0.02734 and 0.02937; 1000 Genomes Project 0.02756; 1000 Genomes Project 30x 0.03014; TOPMed 0.03050.

Submission:

Illumina Laboratory Services, Illumina
Classification: Benign for Behavior disorder. Last evaluated: 2018-01-13. Review status: criteria provided, single submitter. Criteria: ICSL Variant Classification Criteria 13 December 2019. Collection method: clinical testing. Allele origin: germline.
Comment: This variant was observed in the ICSL laboratory as part of a predisposition screen in an ostensibly healthy population. It had not been previously curated by ICSL or reported in the Human Gene Mutation Database (HGMD: prior to June 1st, 2018), and was therefore a candidate for classification through an automated scoring system. Utilizing variant allele frequency, disease prevalence and penetrance estimates, and inheritance mode, an automated score was calculated to assess if this variant is too frequent to cause the disease. Based on the score and internal cut-off values, a variant classified as benign is not then subjected to further curation. The score for this variant resulted in a classification of benign for this disease.